The following is an entry in ClinVar:

NM_000742.4(CHRNA2):c.1324C>T (p.Leu442=)

Gene: CHRNA2 (cholinergic receptor nicotinic alpha 2 subunit; minus strand). Cytogenetic location: 8p21.2.
Variant type: single nucleotide variant.
Coding change: c.1324C>T on transcript NM_000742.4 (MANE Select); coding-DNA position 1324, C replaced by T.
Protein change: p.Leu442=; no amino-acid change (leucine 442 retained).
Molecular consequence: synonymous variant.
Genome position (GRCh38, 1-based): chr8:27,463,119, G>A on the plus strand (C>T on the coding strand, the complement: CHRNA2 is on the minus strand). VCF-style: chr8-27463119-G-A. GRCh37 (hg19) VCF-style: chr8-27320636-G-A.
Other names: p.L442L:CTG>TTG; p.Leu442=; c.1279C>T, p.Leu427= (NM_001282455.2); c.847C>T, p.Leu283= (NM_001347705.2, NM_001347706.2); c.730C>T, p.Leu244= (NM_001347707.2, NM_001347708.2).
Identifiers: ClinVar variation 128737 (VCV000128737.24), dbSNP rs56298562, ClinGen allele CA288706.

ClinVar aggregate classification (germline): Benign. Review status: criteria provided, multiple submitters, no conflicts (2 of 4 stars). 7 submissions from 7 submitters: Benign (6). 1 of the submissions does not count toward it. Last evaluated 2026-02-03.

Conditions:
Inborn genetic diseases. Identifiers: MedGen C0950123, MeSH D030342.
Familial sleep-related hypermotor epilepsy. Also called: Autosomal Dominant Sleep-Related Hypermotor (Hyperkinetic) Epilepsy. Identifiers: Orphanet 98784, MedGen C3696898, MONDO:0000030.
Autosomal dominant nocturnal frontal lobe epilepsy 4. Also called: CHRNA2-Related Nocturnal Frontal Lobe Epilepsy, Autosomal Dominant; EPILEPSY, FAMILIAL, WITH NOCTURNAL WANDERING AND ICTAL FEAR. Identifiers: Orphanet 98784, MedGen C1835905, MONDO:0012474, OMIM 610353.

Allele frequency attached by ClinVar (database versions not stated): gnomAD 0.01760 and 0.01785; ExAC 0.02309; 1000 Genomes Project 30x 0.01265; 1000 Genomes Project 0.01338; TOPMed 0.01523; gnomAD exomes 0.02622 and 0.02236; ESP Exome Variant Server 0.01768.
gnomAD v4.1: 40,679 of 1,608,776 alleles (2.5%); highest among the groups gnomAD compares: South Asian, 3.9%; 678 homozygotes.

Submissions (7):

Labcorp Genetics (formerly Invitae), Labcorp
Classification: Benign. Last evaluated: 2026-02-03. Review status: criteria provided, single submitter. Criteria: Invitae Variant Classification Sherloc (09022015). Collection method: clinical testing. Allele origin: germline.

Mayo Clinic Laboratories, Mayo Clinic
Classification: Benign. Last evaluated: 2019-03-05. Review status: criteria provided, single submitter. Criteria: ACMG Guidelines, 2015. Collection method: clinical testing. Allele origin: germline. Observed: 13 variant alleles.

Illumina Laboratory Services, Illumina
Classification: Benign for Autosomal dominant nocturnal frontal lobe epilepsy 4. Last evaluated: 2018-01-13. Review status: criteria provided, single submitter. Criteria: ICSL Variant Classification Criteria 13 December 2019. Collection method: clinical testing. Allele origin: germline.
Comment: This variant was observed in the ICSL laboratory as part of a predisposition screen in an ostensibly healthy population. It had not been previously curated by ICSL or reported in the Human Gene Mutation Database (HGMD: prior to June 1st, 2018), and was therefore a candidate for classification through an automated scoring system. Utilizing variant allele frequency, disease prevalence and penetrance estimates, and inheritance mode, an automated score was calculated to assess if this variant is too frequent to cause the disease. Based on the score and internal cut-off values, a variant classified as benign is not then subjected to further curation. The score for this variant resulted in a classification of benign for this disease.

Ambry Genetics
Classification: Benign for Inborn genetic diseases. Last evaluated: 2016-04-15. Review status: criteria provided, single submitter. Criteria: Ambry Variant Classification Scheme 2023. Collection method: clinical testing. Allele origin: germline.

GeneDx
Classification: Benign. Last evaluated: 2012-05-16. Review status: criteria provided, single submitter. Criteria: GeneDx Variant Classification (06012015). Collection method: clinical testing. Allele origin: germline. Affected: yes.
Comment: This variant is considered likely benign or benign based on one or more of the following criteria: it is a conservative change, it occurs at a poorly conserved position in the protein, it is predicted to be benign by multiple in silico algorithms, and/or has population frequency not consistent with disease.

Breakthrough Genomics
Classification: Benign. Review status: criteria provided, single submitter. Criteria: ACMG Guidelines, 2015. Collection method: not provided. Allele origin: germline. Inheritance: Autosomal dominant inheritance. Affected: yes.

Genetic Services Laboratory, University of Chicago
Classification: Likely benign for AllHighlyPenetrant. Review status: no assertion criteria provided. Collection method: clinical testing. Allele origin: germline. Inheritance: Autosomal dominant inheritance. Not counted in ClinVar's aggregate classification.
Comment: Likely benign based on allele frequency in 1000 Genomes Project or ESP global frequency and its presence in a patient with a rare or unrelated disease phenotype. NOT Sanger confirmed.